The following is an entry in ClinVar:

NM_014484.5(MOCS3):c.1227T>G (p.Tyr409Ter)

Gene: MOCS3 (molybdenum cofactor synthesis 3; plus strand). Cytogenetic location: 20q13.13.
Variant type: single nucleotide variant.
Coding change: c.1227T>G on transcript NM_014484.5 (MANE Select); coding-DNA position 1227, T replaced by G.
Protein change: p.Tyr409Ter; replaces tyrosine 409 with a stop codon.
Molecular consequence: nonsense.
Genome position (GRCh38, 1-based): chr20:50,960,069, T>G. VCF-style: chr20-50960069-T-G. GRCh37 (hg19) VCF-style: chr20-49576606-T-G.
Other names: short protein forms Y409*.
Identifiers: ClinVar variation 1512619 (VCV001512619.6), dbSNP rs1000726687, ClinGen allele CA315265475.

ClinVar aggregate classification (germline): Uncertain significance (1 of 4 stars; one submission).

Allele frequency attached by ClinVar (database versions not stated): gnomAD 0.00005 and 0.00006.
gnomAD v4.1: 23 of 1,614,156 alleles (0.0014%); highest among the groups gnomAD compares: African/African-American, 0.015%; no homozygotes.

Submission:

Labcorp Genetics (formerly Invitae), Labcorp
Classification: Uncertain significance. Last evaluated: 2026-01-28. Review status: criteria provided, single submitter. Criteria: Invitae Variant Classification Sherloc (09022015). Collection method: clinical testing. Allele origin: germline.
Comment: This sequence change creates a premature translational stop signal (p.Tyr409*) in the MOCS3 gene. While this is not anticipated to result in nonsense mediated decay, it is expected to disrupt the last 52 amino acid(s) of the MOCS3 protein. The frequency data for this variant in the population databases is considered unreliable, as metrics indicate poor data quality at this position in the gnomAD database. This variant has not been reported in the literature in individuals affected with MOCS3-related conditions. ClinVar contains an entry for this variant (Variation ID: 1512619). Experimental studies and prediction algorithms are not available or were not evaluated, and the functional significance of this variant is currently unknown. In summary, the available evidence is currently insufficient to determine the role of this variant in disease. Therefore, it has been classified as a Variant of Uncertain Significance.